The following is an entry in ClinVar:

NM_007046.4(EMILIN1):c.1622G>A (p.Arg541Gln)

Gene: EMILIN1 (elastin microfibril interfacer 1; plus strand). Cytogenetic location: 2p23.3.
Variant type: single nucleotide variant.
Coding change: c.1622G>A on transcript NM_007046.4 (MANE Select); coding-DNA position 1622, G replaced by A.
Protein change: p.Arg541Gln; replaces arginine 541 with glutamine.
Molecular consequence: missense variant.
Genome position (GRCh38, 1-based): chr2:27,083,193, G>A. VCF-style: chr2-27083193-G-A. GRCh37 (hg19) VCF-style: chr2-27306061-G-A.
Other names: short protein forms R541Q.
Identifiers: ClinVar variation 3052775 (VCV003052775.3), dbSNP rs138622931, ClinGen allele CA1568759.
Genomic context (GRCh38, chr2:27,083,193, plus strand): 5'-TGGAAGCAGCGGGGGAGGCCCGGCAGGCCACGCTGGAGGGATTACAAGAGGTTGTGGGCC[G>A]GCTCCAGGATCGTGTGGATGCCCAGGATGAGACAGCTGCAGAGTTCACACTACGGCTGAA-3'
Protein context (NP_008977.1, residues 531-551): TLEGLQEVVG[Arg541Gln]LQDRVDAQDE

ClinVar aggregate classification (germline): Likely benign. Review status: criteria provided, single submitter (1 of 4 stars). 2 submissions from 2 submitters: Likely benign (1). 1 of the submissions does not count toward it. Last evaluated 2024-04-23.

Conditions:
EMILIN1-related disorder. Also called: EMILIN1-related condition.
Inborn genetic diseases. Identifiers: MedGen C0950123, MeSH D030342.

Allele frequency attached by ClinVar (database versions not stated): gnomAD exomes 0.00014; ExAC 0.00057; 1000 Genomes Project 0.00060; 1000 Genomes Project 30x 0.00062; gnomAD 0.00161; TOPMed 0.00178; ESP Exome Variant Server 0.00192.

Submissions (2):

Ambry Genetics
Classification: Likely benign for Inborn genetic diseases. Last evaluated: 2024-04-23. Review status: criteria provided, single submitter. Criteria: Ambry Variant Classification Scheme 2023. Collection method: clinical testing. Allele origin: germline.

PreventionGenetics, part of Exact Sciences
Classification: Likely benign for EMILIN1-related condition. Last evaluated: 2020-01-13. Review status: no assertion criteria provided. Collection method: clinical testing. Allele origin: germline. Not counted in ClinVar's aggregate classification.
Comment: This variant is classified as likely benign based on ACMG/AMP sequence variant interpretation guidelines (Richards et al. 2015 PMID: 25741868, with internal and published modifications).